The following is an entry in ClinVar:

ClinVar aggregate classification (germline): Pathogenic (1 of 4 stars; one submission).

Conditions:
Familial cancer of breast. Also called: BREAST CANCER, FAMILIAL; Hereditary breast cancer; hereditary breast carcinoma. Identifiers: Orphanet 227535, MedGen C0346153, MONDO:0016419, OMIM 114480. Disease mechanism: loss of function.
Fanconi anemia complementation group J. Also called: BRIP1-Related Fanconi Anemia. Identifiers: Orphanet 84, MedGen C1836860, MONDO:0012187, OMIM 609054.

Submission:

Labcorp Genetics (formerly Invitae), Labcorp
Classification: Pathogenic for Familial cancer of breast; Fanconi anemia complementation group J. Last evaluated: 2022-04-21. Review status: criteria provided, single submitter. Criteria: Invitae Variant Classification Sherloc (09022015). Collection method: clinical testing. Allele origin: germline.
Comment: For these reasons, this variant has been classified as Pathogenic. This sequence change creates a premature translational stop signal (p.Lys432Argfs*18) in the BRIP1 gene. It is expected to result in an absent or disrupted protein product. Loss-of-function variants in BRIP1 are known to be pathogenic (PMID: 16116423, 17033622, 21964575). This variant is not present in population databases (gnomAD no frequency). This variant has not been reported in the literature in individuals affected with BRIP1-related conditions.

Literature cited by the submitters: PubMed 16116423; PubMed 17033622; PubMed 21964575.

NM_032043.3(BRIP1):c.1293del (p.Lys432fs)

Gene: BRIP1 (BRCA1 interacting DNA helicase 1; minus strand). Cytogenetic location: 17q23.2.
Variant type: Deletion.
Coding change: c.1293del on transcript NM_032043.3 (MANE Select); coding-DNA position 1293, one base deleted (G; older notation c.1293delG).
Protein change: p.Lys432fs; shifts the reading frame from lysine 432.
Molecular consequence: frameshift variant.
Genome position (GRCh38, 1-based): chr17:61,799,147, C deleted on the plus strand (G on the coding strand, the reverse complement: BRIP1 is on the minus strand); the first of 2 consecutive C bases (chr17:61,799,147-61,799,148); deleting either gives the same sequence. VCF-style (leftmost placement, unchanged base first): chr17-61799146-TC-T. GRCh37 (hg19) VCF-style: chr17-59876507-TC-T.
Other names: short protein forms K432fs.
Identifiers: ClinVar variation 2128785 (VCV002128785.4), dbSNP rs2545135357, ClinGen allele CA2580094476.